The following is an entry in ClinVar:

ClinVar aggregate classification (germline): Uncertain significance (1 of 4 stars; one submission).

Conditions:
Wieacker-Wolff syndrome. Also called: CONTRACTURES OF FEET, MUSCLE ATROPHY, AND OCULOMOTOR APRAXIA; Miles-Carpenter syndrome; APRAXIA, OCULOMOTOR, WITH CONGENITAL CONTRACTURES AND MUSCLE ATROPHY; Intellectual disability-developmental delay-contractures syndrome; MENTAL RETARDATION, X-LINKED, SYNDROMIC 4; MENTAL RETARDATION, X-LINKED, WITH CONGENITAL CONTRACTURES AND LOW FINGERTIP ARCHES. Identifiers: Orphanet 3454, Orphanet 85283, MedGen C0796200, MONDO:0010758, OMIM 314580.

Submission:

Victorian Clinical Genetics Services, Murdoch Childrens Research Institute
Classification: Uncertain significance for Wieacker-Wolff syndrome. Last evaluated: 2020-05-25. Review status: criteria provided, single submitter. Criteria: ACMG Guidelines, 2015. Collection method: clinical testing. Allele origin: germline. Inheritance: X-linked recessive inheritance. Affected: yes.
Comment: Based on the classification scheme VCGS_Germline_v1.1.1, this variant is classified as 3A - VUS. Following criteria are met: 0102 - Loss-of-function is a known mechanism of disease for this gene. (N) 0109 - This gene is known to be associated with X-linked recessive disease. (N) 0200 - Variant is predicted to result in a missense amino acid change from a lysine to an asparagine (exon 2). (N) 0253 - Variant is hemizygous. (N) 0301 - Variant is absent from gnomAD. (P) 0501 - Missense variant consistently predicted to be damaging by multiple in silico tools. (P) 0601 - Variant affects at least one well-established (essential) functional domain or motif (PMID:31206972, PMID:23623388, PMID:26056227). (P) 0705 - No comparable variants have previous evidence for pathogenicity. (N) 0807 - Variant has not previously been reported in a clinical context. (N) 0905 - No segregation evidence has been identified for this variant. (N) 1007 - No published functional evidence has been identified for this variant. (N) 1208 - Inheritance information for this variant is not currently available. (N) Legend: (P) - Pathogenic, (N) - Neutral, (B) - Benign

Literature cited by the submitters: PubMed 23623388; PubMed 26056227; PubMed 31206972.

NM_018684.4(ZC4H2):c.177G>T (p.Lys59Asn)

Gene: ZC4H2 (zinc finger C4H2-type containing; minus strand). Cytogenetic location: Xq11.2.
Variant type: single nucleotide variant.
Coding change: c.177G>T on transcript NM_018684.4 (MANE Select); coding-DNA position 177, G replaced by T.
Protein change: p.Lys59Asn; replaces lysine 59 with asparagine.
Molecular consequence: missense variant. On other transcripts: non-coding transcript variant (1).
Genome position (GRCh38, 1-based): chrX:64,921,865, C>A on the plus strand (G>T on the coding strand, the complement: ZC4H2 is on the minus strand). VCF-style: chrX-64921865-C-A. GRCh37 (hg19) VCF-style: chrX-64141745-C-A.
Other names: c.108G>T, p.Lys36Asn (NM_001178032.3, NM_001243804.2); c.177G>T, p.Lys59Asn (NM_001178033.3); short protein forms K36N, K59N.
Identifiers: ClinVar variation 1804896 (VCV001804896.1), dbSNP rs2519696326, ClinGen allele CA413412199.